The following is an entry in ClinVar:

ClinVar aggregate classification (germline): Pathogenic (1 of 4 stars; one submission).

Allele frequency attached by ClinVar (database versions not stated): gnomAD exomes 0.00001; ExAC 0.00002.
gnomAD v4.1: 4 of 1,611,836 alleles (0.00025%); highest among the groups gnomAD compares: Admixed American, 0.005%; no homozygotes.

Submission:

Labcorp Genetics (formerly Invitae), Labcorp
Classification: Pathogenic. Last evaluated: 2024-10-16. Review status: criteria provided, single submitter. Criteria: Invitae Variant Classification Sherloc (09022015). Collection method: clinical testing. Allele origin: germline.
Comment: This sequence change creates a premature translational stop signal (p.Trp1036*) in the TBC1D32 gene. It is expected to result in an absent or disrupted protein product. Loss-of-function variants in TBC1D32 are known to be pathogenic (PMID: 37768732). This variant is present in population databases (rs773171737, gnomAD 0.009%). This variant has not been reported in the literature in individuals affected with TBC1D32-related conditions. ClinVar contains an entry for this variant (Variation ID: 2054643). Algorithms developed to predict the effect of sequence changes on RNA splicing suggest that this variant may disrupt the consensus splice site. For these reasons, this variant has been classified as Pathogenic.

Literature cited by the submitters: PubMed 37768732.

NM_152730.6(TBC1D32):c.3107G>A (p.Trp1036Ter)

Gene: TBC1D32 (TBC1 domain family member 32; minus strand). Cytogenetic location: 6q22.31.
Variant type: single nucleotide variant.
Coding change: c.3107G>A on transcript NM_152730.6 (MANE Select); coding-DNA position 3107, G replaced by A.
Protein change: p.Trp1036Ter; replaces tryptophan 1036 with a stop codon.
Molecular consequence: nonsense. On other transcripts: non-coding transcript variant (1).
Genome position (GRCh38, 1-based): chr6:121,113,124, C>T on the plus strand (G>A on the coding strand, the complement: TBC1D32 is on the minus strand). VCF-style: chr6-121113124-C-T. GRCh37 (hg19) VCF-style: chr6-121434270-C-T.
Other names: c.3230G>A, p.Trp1077Ter (NM_001367759.1, NM_001367760.1); short protein forms W1077*, W1036*.
Identifiers: ClinVar variation 2054643 (VCV002054643.4), dbSNP rs773171737, ClinGen allele CA3980528.